The following is an entry in ClinVar:

NM_006767.4(LZTR1):c.1564G>T (p.Glu522Ter)

Gene: LZTR1 (leucine zipper like post translational regulator 1; plus strand). Cytogenetic location: 22q11.21.
Variant type: single nucleotide variant.
Coding change: c.1564G>T on transcript NM_006767.4 (MANE Select); coding-DNA position 1564, G replaced by T.
Protein change: p.Glu522Ter; replaces glutamic acid 522 with a stop codon.
Molecular consequence: nonsense.
Genome position (GRCh38, 1-based): chr22:20,994,218, G>T. VCF-style: chr22-20994218-G-T. GRCh37 (hg19) VCF-style: chr22-21348507-G-T.
Other names: short protein forms E522*.
Identifiers: ClinVar variation 4101884 (VCV004101884.1).

ClinVar aggregate classification (germline): Pathogenic (1 of 4 stars; one submission).

Conditions:
Cardiovascular phenotype. Identifiers: MedGen CN230736.
Hereditary cancer-predisposing syndrome. Also called: Tumor predisposition; Neoplastic Syndromes, Hereditary; Hereditary neoplastic syndrome; Hereditary Cancer Syndrome. Identifiers: Orphanet 140162, MedGen C0027672, MeSH D009386, MONDO:0015356.

Submission:

Ambry Genetics
Classification: Pathogenic for Cardiovascular phenotype; Hereditary cancer-predisposing syndrome. Last evaluated: 2025-07-23. Review status: criteria provided, single submitter. Criteria: Ambry Variant Classification Scheme 2023. Collection method: clinical testing. Allele origin: germline.
Comment: The p.E522* pathogenic mutation (also known as c.1564G>T), located in coding exon 14 of the LZTR1 gene, results from a G to T substitution at nucleotide position 1564. This changes the amino acid from a glutamic acid to a stop codon within coding exon 14. This alteration is expected to result in loss of function by premature protein truncation or nonsense-mediated mRNA decay. Loss-of-function variants in LZTR1 are related to an increased risk for schwannomas and autosomal recessive Noonan syndrome; however, such associations with autosomal dominant Noonan syndrome have not been observed (Piotrowski A et al. Nat Genet. 2014 Feb;46:182-7; Yamamoto GL et al. J Med Genet. 2015 Jun;52:413-21; Johnston JJ et al. Genet Med. 2018 10;20:1175-1185). Based on the supporting evidence, this variant is pathogenic for an increased risk of LZTR1-related schwannomatosis (SWN) and would be expected to cause autosomal recessive Noonan syndrome when present along with a second pathogenic or likely pathogenic variant on the other allele; however, the association of this alteration with autosomal dominant Noonan syndrome is unlikely.